The following is an entry in ClinVar:

ClinVar aggregate classification (germline): Uncertain significance. Review status: criteria provided, multiple submitters, no conflicts (2 of 4 stars). 2 submissions from 2 submitters: Uncertain significance (2). Last evaluated 2023-09-10.

Conditions:
Hereditary cancer-predisposing syndrome. Also called: Neoplastic Syndromes, Hereditary; Hereditary Cancer Syndrome; Tumor predisposition; Hereditary neoplastic syndrome. Identifiers: Orphanet 140162, MedGen C0027672, MeSH D009386, MONDO:0015356.
Rhabdoid tumor predisposition syndrome 2 (RTPS2). Identifiers: Orphanet 231108, Orphanet 69077, MedGen C2750074, MONDO:0013224, OMIM 613325.

Allele frequency attached by ClinVar (database versions not stated): ExAC 0.00001.
gnomAD v4.1: 2 of 1,608,550 alleles (0.00012%); highest among the groups gnomAD compares: African/African-American, 0.0013%; no homozygotes.

Submissions (2):

Labcorp Genetics (formerly Invitae), Labcorp
Classification: Uncertain significance for Rhabdoid tumor predisposition syndrome 2. Last evaluated: 2023-09-10. Review status: criteria provided, single submitter. Criteria: Invitae Variant Classification Sherloc (09022015). Collection method: clinical testing. Allele origin: germline.
Comment: In summary, the available evidence is currently insufficient to determine the role of this variant in disease. Therefore, it has been classified as a Variant of Uncertain Significance. Variants that disrupt the consensus splice site are a relatively common cause of aberrant splicing (PMID: 17576681, 9536098). Algorithms developed to predict the effect of sequence changes on RNA splicing suggest that this variant is not likely to affect RNA splicing. ClinVar contains an entry for this variant (Variation ID: 2138899). This variant has not been reported in the literature in individuals affected with SMARCA4-related conditions. The frequency data for this variant in the population databases is considered unreliable, as metrics indicate poor data quality at this position in the gnomAD database. This sequence change falls in intron 31 of the SMARCA4 gene. It does not directly change the encoded amino acid sequence of the SMARCA4 protein. It affects a nucleotide within the consensus splice site.

Ambry Genetics
Classification: Uncertain significance for Hereditary cancer-predisposing syndrome. Last evaluated: 2023-09-01. Review status: criteria provided, single submitter. Criteria: Ambry Variant Classification Scheme 2023. Collection method: clinical testing. Allele origin: germline.
Comment: The c.4521-3C>T intronic variant results from a C to T substitution 3 nucleotides upstream from coding exon 31 in the SMARCA4 gene. This nucleotide position is well conserved in available vertebrate species. In silico splice site analysis predicts that this alteration will not have any significant effect on splicing. Since supporting evidence is limited at this time, the clinical significance of this alteration remains unclear.

Literature cited by the submitters: PubMed 17576681 (cited by Labcorp Genetics (formerly Invitae), Labcorp); PubMed 9536098 (cited by Labcorp Genetics (formerly Invitae), Labcorp).

NM_003072.5(SMARCA4):c.4425-3C>T

Gene: SMARCA4 (SWI/SNF related BAF chromatin remodeling complex subunit ATPase 4; plus strand). Cytogenetic location: 19p13.2.
Variant type: single nucleotide variant.
Coding change: c.4425-3C>T on transcript NM_003072.5 (MANE Select); 3 bases into the intron before coding-DNA position 4425, C replaced by T.
Molecular consequence: intron variant.
Genome position (GRCh38, 1-based): chr19:11,058,252, C>T. VCF-style: chr19-11058252-C-T. GRCh37 (hg19) VCF-style: chr19-11168928-C-T.
Other names: c.4521-3C>T (NM_001128849.1, NM_001128849.3, NM_001387283.1); c.4425-3C>T (NM_001128844.3); c.4326-3C>T (NM_001128847.4, NM_001374457.1); c.4335-3C>T (NM_001128845.2); c.4335-6C>T (NM_001128846.2); c.4326-6C>T (NM_001128848.2).
Identifiers: ClinVar variation 2138899 (VCV002138899.6), dbSNP rs748738510, ClinGen allele CA9204746.